The following is an entry in ClinVar:

ClinVar aggregate classification (germline): Uncertain significance. Review status: criteria provided, multiple submitters, no conflicts (2 of 4 stars). 4 submissions from 4 submitters: Uncertain significance (4). Last evaluated 2025-10-23.

Conditions:
Cardiovascular phenotype. Identifiers: MedGen CN230736.
Arrhythmogenic right ventricular cardiomyopathy (ARVD). Also called: Cardiomyopathy, ARVC; Arrhythmogenic right ventricular dysplasia; Arrhythmogenic cardiomyopathy; Arrhythmogenic Right Ventricular Cardiomyopathy (ARVC). Identifiers: Orphanet 247, MedGen C0349788, MeSH D019571, MONDO:0016587. Disease mechanism: loss of function. Inheritance: Various modes of inheritance.
Cardiomyopathy (CMYO). Also called: Cardiomyopathies. Identifiers: Orphanet 167848, MedGen C0878544, MONDO:0004994, HP:0001638. Inheritance: Various modes of inheritance.
Arrhythmogenic right ventricular dysplasia 9 (ARVD9). Also called: Arrhythmogenic Right Ventricular Dysplasia/Cardiomyopathy 9; ARRHYTHMOGENIC RIGHT VENTRICULAR DYSPLASIA, FAMILIAL, 9. Identifiers: MedGen C1836906, MONDO:0012180, OMIM 609040.

gnomAD v4.1: 6 of 1,613,796 alleles (0.00037%); highest among the groups gnomAD compares: Admixed American, 0.0033%; no homozygotes.

Submissions (4):

Labcorp Genetics (formerly Invitae), Labcorp
Classification: Uncertain significance for Arrhythmogenic right ventricular dysplasia 9. Last evaluated: 2025-10-23. Review status: criteria provided, single submitter. Criteria: Invitae Variant Classification Sherloc (09022015). Collection method: clinical testing. Allele origin: germline.
Comment: This sequence change replaces proline, which is neutral and non-polar, with leucine, which is neutral and non-polar, at codon 663 of the PKP2 protein (p.Pro663Leu). This variant is not present in population databases (gnomAD no frequency). This variant has not been reported in the literature in individuals affected with PKP2-related conditions. ClinVar contains an entry for this variant (Variation ID: 1172387). An algorithm developed to predict the effect of missense changes on protein structure and function (PolyPhen-2) suggests that this variant is likely to be tolerated. In summary, the available evidence is currently insufficient to determine the role of this variant in disease. Therefore, it has been classified as a Variant of Uncertain Significance.

Ambry Genetics
Classification: Uncertain significance for Cardiovascular phenotype. Last evaluated: 2024-10-07. Review status: criteria provided, single submitter. Criteria: Ambry Variant Classification Scheme 2023. Collection method: clinical testing. Allele origin: germline.
Comment: The p.P663L variant (also known as c.1988C>T), located in coding exon 10 of the PKP2 gene, results from a C to T substitution at nucleotide position 1988. The proline at codon 663 is replaced by leucine, an amino acid with similar properties. This amino acid position is conserved. In addition, the in silico prediction for this alteration is inconclusive. Based on the available evidence, the clinical significance of this variant remains unclear.

All of Us Research Program, National Institutes of Health
Classification: Uncertain significance for Arrhythmogenic right ventricular cardiomyopathy. Last evaluated: 2024-08-13. Review status: criteria provided, single submitter. Criteria: ACMG Guidelines, 2015. Collection method: clinical testing. Allele origin: germline. Inheritance: Autosomal dominant inheritance. Observed: 5 variant alleles, 5 heterozygotes.
Comment: This missense variant replaces proline with leucine at codon 663 of the PKP2 protein. Computational prediction is inconclusive regarding the impact of this variant on protein structure and function (internally defined REVEL score threshold 0.5 < inconclusive < 0.7, PMID: 27666373). To our knowledge, functional studies have not been reported for this variant. This variant has not been reported in individuals affected with cardiovascular disorders in the literature. This variant has not been identified in the general population by the Genome Aggregation Database (gnomAD). The available evidence is insufficient to determine the role of this variant in disease conclusively. Therefore, this variant is classified as a Variant of Uncertain Significance.

This study involves interpretation of variants in research participants for the purpose of population health screening. Participant phenotype was not available at the time of variant classification. Additional details can be found in publication PMID: 35346344, PMCID: PMC8962531

Color Diagnostics, LLC DBA Color Health
Classification: Uncertain significance for Cardiomyopathy. Last evaluated: 2024-03-06. Review status: criteria provided, single submitter. Criteria: ACMG Guidelines, 2015. Collection method: clinical testing. Allele origin: germline.
Comment: This missense variant replaces proline with leucine at codon 663 of the PKP2 protein. Computational prediction is inconclusive regarding the impact of this variant on protein structure and function (internally defined REVEL score threshold 0.5 < inconclusive < 0.7, PMID: 27666373). To our knowledge, functional studies have not been reported for this variant. This variant has not been reported in individuals affected with cardiovascular disorders in the literature. This variant has not been identified in the general population by the Genome Aggregation Database (gnomAD). The available evidence is insufficient to determine the role of this variant in disease conclusively. Therefore, this variant is classified as a Variant of Uncertain Significance.

NM_001005242.3(PKP2):c.1856C>T (p.Pro619Leu)

Gene: PKP2 (plakophilin 2; minus strand). Cytogenetic location: 12p11.21.
Variant type: single nucleotide variant.
Coding change: c.1856C>T on transcript NM_001005242.3 (MANE Select); coding-DNA position 1856, C replaced by T.
Protein change: p.Pro619Leu; replaces proline 619 with leucine.
Molecular consequence: missense variant.
Genome position (GRCh38, 1-based): chr12:32,821,513, G>A on the plus strand (C>T on the coding strand, the complement: PKP2 is on the minus strand). VCF-style: chr12-32821513-G-A. GRCh37 (hg19) VCF-style: chr12-32974447-G-A.
Other names: c.1988C>T, p.Pro663Leu (NM_004572.4); short protein forms P619L, P663L.
Identifiers: ClinVar variation 1172387 (VCV001172387.13), dbSNP rs1056066633, ClinGen allele CA384362356.
Genomic context (GRCh38, chr12:32,821,513, plus strand): 5'-ATAACAATGGAATGCCACAGCCACTCCACGCCCTTGGGGTTGCTCTTTTCCTCCGGCATC[G>A]GCACGTCCTGGTATTGCTGACCACACACAAAAGGAATCCAGAATTAATGCATGTCAGGTG-3'
Protein context (NP_001005242.2, residues 609-629): RKVKEQYQDV[Pro619Leu]MPEEKSNPKG